The following is an entry in ClinVar:

NM_001393797.1(ABCC12):c.2547T>C (p.His849=)

Gene: ABCC12 (ATP binding cassette subfamily C member 12; minus strand). Cytogenetic location: 16q12.1.
Variant type: single nucleotide variant.
Coding change: c.2547T>C on transcript NM_001393797.1 (MANE Select); coding-DNA position 2547, T replaced by C.
Protein change: p.His849=; no amino-acid change (histidine 849 retained).
Molecular consequence: synonymous variant. On other transcripts: non-coding transcript variant (6).
Genome position (GRCh38, 1-based): chr16:48,105,265, A>G on the plus strand (T>C on the coding strand, the complement: ABCC12 is on the minus strand). VCF-style: chr16-48105265-A-G. GRCh37 (hg19) VCF-style: chr16-48139176-A-G.
Other names: c.2547T>C, p.His849= (NM_033226.3).
Identifiers: ClinVar variation 4987153 (VCV004987153.1).
Genomic context (GRCh38, chr16:48,105,265, plus strand): 5'-TTTGGTGACGCCAAACACCAGCATGAACACCATGCTTGCAGTGTACACCCACTGGTACAC[A>G]TGCTGACCGATGTCTGCCAGCACCGCGCCGACCTCACACATGGTCCTGTTGCCCTGGGGC-3'
Protein context (NP_001380726.1, residues 839-859): VGAVLADIGQ[His849=]VYQWVYTASM

ClinVar aggregate classification (germline): Likely benign (1 of 4 stars; one submission).

Conditions:
ABCC12-related condition.

gnomAD v4.1: 2 of 1,614,072 alleles (0.00012%); highest among the groups gnomAD compares: Admixed American, 0.0033%; no homozygotes.

Submission:

PreventionGenetics, part of Exact Sciences
Classification: Likely benign for ABCC12-related condition. Last evaluated: 2026-03-09. Review status: criteria provided, single submitter. Criteria: ACMG Guidelines, 2015. Collection method: clinical testing. Allele origin: germline.
Comment: This variant is classified as likely benign based on ACMG/AMP sequence variant interpretation guidelines (Richards et al. 2015 PMID: 25741868, with internal and published modifications).